The following is an entry in ClinVar:

NM_017763.6(RNF43):c.1184A>T (p.His395Leu)

Gene: RNF43 (ring finger protein 43; minus strand). Cytogenetic location: 17q22.
Variant type: single nucleotide variant.
Coding change: c.1184A>T on transcript NM_017763.6 (MANE Select); coding-DNA position 1184, A replaced by T.
Protein change: p.His395Leu; replaces histidine 395 with leucine.
Molecular consequence: missense variant.
Genome position (GRCh38, 1-based): chr17:58,358,592, T>A on the plus strand (A>T on the coding strand, the complement: RNF43 is on the minus strand). VCF-style: chr17-58358592-T-A. GRCh37 (hg19) VCF-style: chr17-56435953-T-A.
Other names: c.1184A>T, p.His395Leu (NM_001305544.3, NM_001438820.1, NM_001438821.1 and 1 more transcripts); c.803A>T, p.His268Leu (NM_001305545.2, NM_001437987.1); short protein forms H268L, H395L.
Identifiers: ClinVar variation 4579022 (VCV004579022.1).
Genomic context (GRCh38, chr17:58,358,592, plus strand): 5'-CCTTGTGCATAGGGGTGCTGGGCTCCTGCCAGGCGCTGCTGCTCTCCTGGAGCCCGGGGA[T>A]GTGCAGCTCTGGGGAAGCGGTGATGCCGAGGGCCCATGCCTGGCTCCTGGGATGGCAGGA-3'
Protein context (NP_060233.3, residues 385-405): PRHHRFPRAA[His395Leu]PRAPGEQQRL

ClinVar aggregate classification (germline): Uncertain significance (1 of 4 stars; one submission).

Submission:

Ambry Genetics
Classification: Uncertain significance. Last evaluated: 2025-12-13. Review status: criteria provided, single submitter. Criteria: Ambry Variant Classification Scheme 2023. Collection method: clinical testing. Allele origin: germline.
Comment: The p.H395L variant (also known as c.1184A>T), located in coding exon 8 of the RNF43 gene, results from an A to T substitution at nucleotide position 1184. The histidine at codon 395 is replaced by leucine, an amino acid with similar properties. This amino acid position is conserved. In addition, this alteration is predicted to be tolerated by in silico analysis. Based on the available evidence, the clinical significance of this variant remains unclear.